The following is an entry in ClinVar:

ClinVar aggregate classification (germline): Likely pathogenic (1 of 4 stars; one submission).

Conditions:
Glycogen storage disease, type VII (GSD7). Also called: GSD VII; MUSCLE PHOSPHOFRUCTOKINASE DEFICIENCY; PFKM DEFICIENCY; TARUI DISEASE. Identifiers: Orphanet 371, MedGen C0017926, MONDO:0009295, OMIM 232800.

Submission:

Myriad Genetics, Inc.
Classification: Likely pathogenic for Glycogen storage disease, type VII. Last evaluated: 2022-02-25. Review status: criteria provided, single submitter. Criteria: Myriad Women's Health Autosomal Recessive and X-Linked Classification Criteria (2021). Collection method: clinical testing. Allele origin: unknown.
Comment: NM_001166686.1(PFKM):c.1440_1441delGG(A481Sfs*28) is expected to be pathogenic in the context of glycogen storage disease type VII. This variant is predicted to lead to an abnormal or absent protein product due to the creation of a premature termination codon in PFKM, a gene where loss-of-function variants are known to be pathogenic. Please note: this variant was assessed in the context of healthy population screening.

NM_000289.6(PFKM):c.1227_1228del (p.Ala410fs)

Gene: PFKM (phosphofructokinase, muscle; plus strand). Cytogenetic location: 12q13.11.
Variant type: Deletion.
Coding change: c.1227_1228del on transcript NM_000289.6 (MANE Select); coding-DNA positions 1227 to 1228, 2 bases deleted (GG; older notation c.1227_1228delGG).
Protein change: p.Ala410fs; shifts the reading frame from alanine 410.
Molecular consequence: frameshift variant. On other transcripts: non-coding transcript variant (6).
Genome position (GRCh38, 1-based): chr12:48,140,757-48,140,758, GG deleted; deleting any 2 consecutive bases within chr12:48,140,754-48,140,758 gives the same sequence; the c. name uses the placement nearest the transcript's 3' end. VCF-style (leftmost placement, unchanged base first): chr12-48140753-TGG-T. GRCh37 (hg19) VCF-style: chr12-48534536-TGG-T.
Other names: c.1440_1441del, p.Ala481fs (NM_001166686.2, NM_001354737.1, NM_001354738.1 and 1 more transcripts); c.1227_1228del, p.Ala410fs (NM_001166687.2, NM_001166688.2, NM_001354742.2 and 2 more transcripts); c.1536_1537del, p.Ala513fs (NM_001354735.1, NM_001354736.1); c.1371_1372del, p.Ala458fs (NM_001354740.1); c.1251_1252del, p.Ala418fs (NM_001354741.2); c.1140_1141del, p.Ala381fs (NM_001354745.2); c.1101_1102del, p.Ala368fs (NM_001354746.2); c.1077_1078del, p.Ala360fs (NM_001354747.2, NM_001354748.2); and 1 more; short protein forms A360fs, A368fs, A379fs, A381fs, A410fs, A418fs, A458fs, A481fs.
Identifiers: ClinVar variation 1724764 (VCV001724764.2), dbSNP rs2498536567, ClinGen allele CA2580085550.